The following is an entry in ClinVar:

ClinVar aggregate classification (germline): Pathogenic. Review status: reviewed by expert panel (3 of 4 stars). 5 submissions from 5 submitters: Pathogenic (1). 4 of the submissions do not count toward it. Last evaluated 2023-08-30.

Conditions:
CDH1-related diffuse gastric and lobular breast cancer syndrome. Also called: CDH1-related diffuse gastric and lobular breast cancer. Identifiers: MedGen CN311521, MONDO:0100488.
Hereditary diffuse gastric adenocarcinoma (HDGC). Also called: DIFFUSE GASTRIC AND LOBULAR BREAST CANCER SYNDROME. Identifiers: Orphanet 26106, MedGen C1708349, MONDO:0007648, OMIM 137215.

Submissions (5):

Clingen Gastric Cancer Variant Curation Expert Panel
Classification: Pathogenic for CDH1-related diffuse gastric and lobular breast cancer syndrome. Last evaluated: 2023-08-30. Review status: reviewed by expert panel. Criteria: ClinGen CDH1 ACMG Specifications V3.1. Collection method: curation. Allele origin: germline. Inheritance: Autosomal dominant inheritance.
Comment: The c.1578G>A p.(Trp526Ter) variant is predicted to result in a premature stop codon that leads to a truncated or absent protein (PVS1, PM5_Supporting). The variant is absent in the gnomAD cohort (PM2_Supporting). In summary, this variant meets criteria to be classified as pathogenic based on the ACMG/AMP criteria applied as specified by the CDH1 Variant Curation Expert Panel (Variant Interpretation Guidelines Version 3.1): PVS1, PM2_Supporting, PM5_Supporting.

Labcorp Genetics (formerly Invitae), Labcorp
Classification: Pathogenic for Hereditary diffuse gastric adenocarcinoma. Last evaluated: 2024-01-05. Review status: criteria provided, single submitter. Criteria: Invitae Variant Classification Sherloc (09022015). Collection method: clinical testing. Allele origin: germline. Not counted in ClinVar's aggregate classification.
Comment: This sequence change creates a premature translational stop signal (p.Trp526*) in the CDH1 gene. It is expected to result in an absent or disrupted protein product. Loss-of-function variants in CDH1 are known to be pathogenic (PMID: 15235021, 20373070). This variant is not present in population databases (gnomAD no frequency). This premature translational stop signal has been observed in individual(s) with diffuse gastric cancer (PMID: 30466290). ClinVar contains an entry for this variant (Variation ID: 265511). For these reasons, this variant has been classified as Pathogenic.

Myriad Genetics, Inc.
Classification: Pathogenic for Hereditary diffuse gastric adenocarcinoma. Last evaluated: 2023-06-14. Review status: criteria provided, single submitter. Criteria: Myriad Autosomal Dominant, Autosomal Recessive and X-Linked Classification Criteria (2023). Collection method: clinical testing. Allele origin: unknown. Not counted in ClinVar's aggregate classification.
Comment: This variant is considered pathogenic. This variant creates a termination codon and is predicted to result in premature protein truncation.

Women's Health and Genetics/Laboratory Corporation of America, LabCorp
Classification: Pathogenic for Hereditary diffuse gastric adenocarcinoma. Last evaluated: 2022-03-22. Review status: criteria provided, single submitter. Criteria: LabCorp Variant Classification Summary - May 2015. Collection method: clinical testing. Allele origin: germline. Not counted in ClinVar's aggregate classification.
Comment: Variant summary: CDH1 c.1578G>A (p.Trp526X) results in a premature termination codon, predicted to cause a truncation of the encoded protein or absence of the protein due to nonsense mediated decay, which are commonly known mechanisms for disease. Truncations downstream of this position have been classified as pathogenic by our laboratory. The variant was absent in 251480 control chromosomes. A different nucleotide change resulting in the same amino acid change (c.1577G>A, p.Trp526Ter) was reported in an individual with HDGC (PMID: 30466290). Two clinvar submitters have classified the variant as pathogenic, including an expert panel. Based on the evidence outlined above, the variant was classified as pathogenic.

GeneDx
Classification: Pathogenic. Last evaluated: 2020-03-02. Review status: criteria provided, single submitter. Criteria: GeneDx Variant Classification Process June 2021. Collection method: clinical testing. Allele origin: germline. Affected: yes. Not counted in ClinVar's aggregate classification.
Comment: Nonsense variant predicted to result in protein truncation or nonsense mediated decay in a gene for which loss-of-function is a known mechanism of disease; Not observed in large population cohorts (Lek 2016); This variant is associated with the following publications: (PMID: 22722193, 30466290)

Literature cited by the submitters: PubMed 15235021 (cited by Labcorp Genetics (formerly Invitae), Labcorp); PubMed 20373070 (cited by Labcorp Genetics (formerly Invitae), Labcorp); PubMed 30466290 (cited by Labcorp Genetics (formerly Invitae), Labcorp).

NM_004360.5(CDH1):c.1578G>A (p.Trp526Ter)

Gene: CDH1 (cadherin 1; plus strand). Cytogenetic location: 16q22.1.
Variant type: single nucleotide variant.
Coding change: c.1578G>A on transcript NM_004360.5 (MANE Select); coding-DNA position 1578, G replaced by A.
Protein change: p.Trp526Ter; replaces tryptophan 526 with a stop codon.
Molecular consequence: nonsense. On other transcripts: intron variant (1).
Genome position (GRCh38, 1-based): chr16:68,819,292, G>A. VCF-style: chr16-68819292-G-A. GRCh37 (hg19) VCF-style: chr16-68853195-G-A.
Other names: c.1578G>A (LRG_301t1); c.1395G>A, p.Trp465Ter (NM_001317184.2); c.30G>A, p.Trp10Ter (NM_001317185.2); c.-254-2709G>A (NM_001317186.2); short protein forms W526*, W465*, W10*.
Identifiers: ClinVar variation 265511 (VCV000265511.12), dbSNP rs886039590, ClinGen allele CA10588624.
Genomic context (GRCh38, chr16:68,819,292, plus strand): 5'-TGTTGTTTGCTGGTCCTATTCTAAAAGCCAGAGCTTGTCCCCGTTCAGATATCGGATTTG[G>A]AGAGACACTGCCAACTGGCTGGAGATTAATCCGGACACTGGTGCCATTTCCACTCGGGCT-3'